The following is an entry in ClinVar:

ClinVar aggregate classification (germline): Benign/Likely benign. Review status: criteria provided, multiple submitters, no conflicts (2 of 4 stars). 8 submissions from 8 submitters: Benign (2); Likely benign (5). 1 of the submissions does not count toward it. Last evaluated 2025-11-10.

Conditions:
Hereditary nonpolyposis colorectal neoplasms. Identifiers: MedGen C0009405, MeSH D003123.
Lynch syndrome. Identifiers: Orphanet 144, MedGen C4552100, MONDO:0005835. Disease mechanism: loss of function.
Hereditary cancer-predisposing syndrome. Also called: Hereditary neoplastic syndrome; Hereditary Cancer Syndrome; Neoplastic Syndromes, Hereditary; Tumor predisposition. Identifiers: Orphanet 140162, MedGen C0027672, MeSH D009386, MONDO:0015356.
Lynch syndrome 5 (LYNCH5). Also called: Hereditary non-polyposis colorectal cancer, type 5; Colorectal cancer, hereditary nonpolyposis, type 5. Identifiers: Orphanet 144, MedGen C1833477, MONDO:0013710, OMIM 614350. Disease mechanism: loss of function.
Malignant tumor of breast. Also called: Malignant breast neoplasm; Cancer breast. Identifiers: MedGen C0006142, MONDO:0007254. Disease mechanism: loss of function.

Allele frequency attached by ClinVar (database versions not stated): ExAC 0.00001; gnomAD 0.00001; gnomAD exomes 0.00001; TOPMed 0.00001.
gnomAD v4.1: 17 of 1,614,078 alleles (0.0011%); highest among the groups gnomAD compares: Middle Eastern, 0.033%; no homozygotes.

Submissions (8):

Labcorp Genetics (formerly Invitae), Labcorp
Classification: Likely benign for Hereditary nonpolyposis colorectal neoplasms. Last evaluated: 2025-11-10. Review status: criteria provided, single submitter. Criteria: Invitae Variant Classification Sherloc (09022015). Collection method: clinical testing. Allele origin: germline.

KCCC/NGS Laboratory, Kuwait Cancer Control Center
Classification: Benign for Lynch syndrome 5. Last evaluated: 2025-02-01. Review status: criteria provided, single submitter. Criteria: ACMG Guidelines, 2015. Collection method: clinical testing. Allele origin: germline. Affected: no.

Myriad Genetics, Inc.
Classification: Benign for Lynch syndrome 5. Last evaluated: 2024-12-18. Review status: criteria provided, single submitter. Criteria: Myriad Autosomal Dominant, Autosomal Recessive and X-Linked Classification Criteria (2023). Collection method: clinical testing. Allele origin: unknown.
Comment: This variant is considered benign. This variant is a silent/synonymous amino acid change and it is not expected to impact splicing.

All of Us Research Program, National Institutes of Health
Classification: Likely benign for Lynch syndrome. Last evaluated: 2024-06-11. Review status: criteria provided, single submitter. Criteria: ACMG Guidelines, 2015. Collection method: clinical testing. Allele origin: germline. Inheritance: Autosomal dominant inheritance. Observed: 4 variant alleles, 4 heterozygotes.
Comment: This study involves interpretation of variants in research participants for the purpose of population health screening. Participant phenotype was not available at the time of variant classification. Additional details can be found in publication PMID: 35346344, PMCID: PMC8962531

GeneDx
Classification: Likely benign. Last evaluated: 2020-12-30. Review status: criteria provided, single submitter. Criteria: GeneDx Variant Classification Process June 2021. Collection method: clinical testing. Allele origin: germline. Affected: yes.
Comment: Not observed at a significant frequency in large population cohorts (Lek et al., 2016)

Color Diagnostics, LLC DBA Color Health
Classification: Likely benign for Hereditary cancer-predisposing syndrome. Last evaluated: 2018-06-26. Review status: criteria provided, single submitter. Criteria: ACMG Guidelines, 2015. Collection method: clinical testing. Allele origin: germline.

Ambry Genetics
Classification: Likely benign for Hereditary cancer-predisposing syndrome. Last evaluated: 2015-12-16. Review status: criteria provided, single submitter. Criteria: Ambry Variant Classification Scheme 2023. Collection method: clinical testing. Allele origin: germline.

Department of Pathology and Laboratory Medicine, Sinai Health System
Classification: Likely benign for Malignant tumor of breast. Review status: no assertion criteria provided. Collection method: clinical testing. Allele origin: unknown. Affected: yes. Study: The Canadian Open Genetics Repository (COGR). Not counted in ClinVar's aggregate classification.
Comment: The MSH6 p.Thr139= variant was not identified in the literature nor was it identified in the UMD-LSDB database. The variant was identified in dbSNP (ID: rs758390144) as â€šÃ„ÃºWith Likely benign alleleâ€šÃ„Ã¹ and ClinVar (classified likely benign by Invitae and Ambry Genetics). The variant was also identified in control databases in 2 of 246258 chromosomes at a frequency of 0.000008 (Genome Aggregation Database Feb 27, 2017), observed in the European population in 2 of 111708 chromosomes (freq: 0.00002), while not observed in the African, Other, Latino, Ashkenazi Jewish, East Asian, Finnish, or South Asian populations. The p.Thr139= variant is not expected to have clinical significance because it does not result in a change of amino acid and is not located in a known consensus splice site. In addition, in silico or computational prediction software programs (SpliceSiteFinder, MaxEntScan, NNSPLICE, GeneSplicer) do not predict a difference in splicing. In summary, based on the above information, the clinical significance of this variant cannot be determined with certainty at this time although we would lean towards a more benign role for this variant. This variant is classified as likely benign.

NM_000179.3(MSH6):c.417A>G (p.Thr139=)

Gene: MSH6 (mutS homolog 6; plus strand). Cytogenetic location: 2p16.3.
Variant type: single nucleotide variant.
Coding change: c.417A>G on transcript NM_000179.3 (MANE Select); coding-DNA position 417, A replaced by G.
Protein change: p.Thr139=; no amino-acid change (threonine 139 retained).
Molecular consequence: synonymous variant. On other transcripts: 5 prime UTR variant (2), intron variant (1).
Genome position (GRCh38, 1-based): chr2:47,791,083, A>G. VCF-style: chr2-47791083-A-G. GRCh37 (hg19) VCF-style: chr2-48018222-A-G.
Other names: c.-320A>G (NM_001281493.2); c.-486A>G (NM_001281494.2); c.238-7528A>G (NM_001281492.2).
Identifiers: ClinVar variation 237208 (VCV000237208.27), dbSNP rs758390144, ClinGen allele CA072875.